The following is an entry in ClinVar:

NM_001267550.2(TTN):c.77995G>C (p.Ala25999Pro)

Genes: TTN (titin; minus strand), TTN-AS1 (TTN antisense RNA 1; plus strand). Cytogenetic location: 2q31.2.
Variant type: single nucleotide variant.
Coding change: c.77995G>C on transcript NM_001267550.2 (MANE Select); coding-DNA position 77995, G replaced by C.
Protein change: p.Ala25999Pro; replaces alanine 25999 with proline.
Molecular consequence: missense variant.
Genome position (GRCh38, 1-based): chr2:178,568,137, C>G on the plus strand (G>C on the coding strand, the complement: TTN is on the minus strand). VCF-style: chr2-178568137-C-G. GRCh37 (hg19) VCF-style: chr2-179432864-C-G.
Other names: c.73072G>C, p.Ala24358Pro (NM_001256850.1); c.50800G>C, p.Ala16934Pro (NM_003319.4); c.70291G>C, p.Ala23431Pro (NM_133378.4); c.51175G>C, p.Ala17059Pro (NM_133432.3); c.51376G>C, p.Ala17126Pro (NM_133437.4); short protein forms A16934P, A17126P, A24358P, A17059P, A23431P, A25999P.
Identifiers: ClinVar variation 3731144 (VCV003731144.1).
Genomic context (GRCh38, chr2:178,568,137, plus strand): 5'-CACCATTGTTGACTGGTTCATGCCACTGTATGACCATGGAGTCTTTGGAAATGGCTGTGG[C>G]AAATGGTGTACCTGGAGGGCCTGGTTCTTTGTAGGGATATTGAGCTACAATTGGATCAGA-3'
Protein context (NP_001254479.2, residues 25989-26009): KEPGPPGTPF[Ala25999Pro]TAISKDSMVI

ClinVar aggregate classification (germline): Uncertain significance (1 of 4 stars; one submission).

Submission:

GeneDx
Classification: Uncertain significance. Last evaluated: 2024-08-14. Review status: criteria provided, single submitter. Criteria: GeneDx Variant Classification Process June 2021. Collection method: clinical testing. Allele origin: germline. Affected: yes.
Comment: Not observed at significant frequency in large population cohorts (gnomAD); Missense variant in a gene in which most reported pathogenic variants are truncating/loss of function; Has not been previously published as pathogenic or benign to our knowledge